The following is an entry in ClinVar:

ClinVar aggregate classification (germline): Uncertain significance. Review status: criteria provided, multiple submitters, no conflicts (2 of 4 stars). 4 submissions from 4 submitters: Uncertain significance (3). 1 of the submissions does not count toward it. Last evaluated 2026-01-19.

Conditions:
Blau syndrome (BLAUS). Also called: ARTHROCUTANEOUVEAL GRANULOMATOSIS; GRANULOMATOSIS, FAMILIAL JUVENILE SYSTEMIC; GRANULOMATOSIS, FAMILIAL, BLAU TYPE; GRANULOMATOUS INFLAMMATORY ARTHRITIS, DERMATITIS, AND UVEITIS, FAMILIAL; JABS SYNDROME. Identifiers: Orphanet 90340, MedGen C5201146, MONDO:0008523, OMIM 186580.
Regional enteritis. Also called: Enteritis, Granulomatous. Identifiers: MedGen C0678202, MeSH D003424.
Autoinflammatory syndrome. Identifiers: Orphanet 93665, MedGen C3890737, MONDO:0019751.

Allele frequency attached by ClinVar (database versions not stated): TOPMed 0.00004; gnomAD 0.00005 and 0.00006; ExAC 0.00008; ESP Exome Variant Server 0.00008.

Submissions (4):

Labcorp Genetics (formerly Invitae), Labcorp
Classification: Uncertain significance for Regional enteritis; Blau syndrome. Last evaluated: 2026-01-19. Review status: criteria provided, single submitter. Criteria: Invitae Variant Classification Sherloc (09022015). Collection method: clinical testing. Allele origin: germline.
Comment: This sequence change replaces glycine, which is neutral and non-polar, with aspartic acid, which is acidic and polar, at codon 924 of the NOD2 protein (p.Gly924Asp). This variant is present in population databases (rs104895453, gnomAD 0.01%). This missense change has been observed in individual(s) with Chrohn disease (PMID: 11875755). ClinVar contains an entry for this variant (Variation ID: 97867). Invitae Evidence Modeling of protein sequence and biophysical properties (such as structural, functional, and spatial information, amino acid conservation, physicochemical variation, residue mobility, and thermodynamic stability) indicates that this missense variant is not expected to disrupt NOD2 protein function with a negative predictive value of 95%. In summary, the available evidence is currently insufficient to determine the role of this variant in disease. Therefore, it has been classified as a Variant of Uncertain Significance.

Blueprint Genetics
Classification: Uncertain significance. Last evaluated: 2024-11-18. Review status: criteria provided, single submitter. Criteria: ACMG Guidelines, 2015. Collection method: clinical testing. Allele origin: germline.

Genome Diagnostics Laboratory, The Hospital for Sick Children
Classification: Uncertain significance for Autoinflammatory syndrome. Last evaluated: 2016-12-12. Review status: criteria provided, single submitter. Criteria: ACMG Guidelines, 2015. Collection method: clinical testing. Allele origin: germline. Affected: yes.

Unité médicale des maladies autoinflammatoires, CHRU Montpellier
No classification provided. Condition: Sarcoidosis, early-onset. Review status: no classification provided. Collection method: not provided. Allele origin: unknown. Not counted in ClinVar's aggregate classification.
Comment: also involved in OMIM 186580 and 266600

Literature cited by the submitters: PubMed 11875755 (cited by Labcorp Genetics (formerly Invitae), Labcorp).

NM_001370466.1(NOD2):c.2690G>A (p.Gly897Asp)

Gene: NOD2 (nucleotide binding oligomerization domain containing 2; plus strand). Cytogenetic location: 16q12.1.
Variant type: single nucleotide variant.
Coding change: c.2690G>A on transcript NM_001370466.1 (MANE Select); coding-DNA position 2690, G replaced by A.
Protein change: p.Gly897Asp; replaces glycine 897 with aspartic acid.
Molecular consequence: missense variant. On other transcripts: non-coding transcript variant (1).
Genome position (GRCh38, 1-based): chr16:50,722,678, G>A. VCF-style: chr16-50722678-G-A. GRCh37 (hg19) VCF-style: chr16-50756589-G-A.
Other names: c.2771G>A (LRG_177t1); c.2690G>A, p.Gly897Asp (NM_001293557.2); c.2771G>A, p.Gly924Asp (NM_022162.3); short protein forms G924D, G897D.
Identifiers: ClinVar variation 97867 (VCV000097867.13), dbSNP rs104895453, ClinGen allele CA150305.
Genomic context (GRCh38, chr16:50,722,678, plus strand): 5'-TCAGATTCTGGGGCAACAGAGTGGGTGACGAGGGGGCCCAGGCCCTGGCTGAAGCCTTGG[G>A]TGATCACCAGAGCTTGAGGTGGCTCAGGTAAGCTTCAGAGTCTATCCTGCAGTTTTCTTG-3'
Protein context (NP_001357395.1, residues 887-907): EGAQALAEAL[Gly897Asp]DHQSLRWLSL